The following is an entry in ClinVar:

ClinVar aggregate classification (germline): Pathogenic (1 of 4 stars; one submission).

Conditions:
Inborn genetic diseases. Identifiers: MedGen C0950123, MeSH D030342.

Allele frequency attached by ClinVar (database versions not stated): TOPMed below 0.00001.

Submission:

Ambry Genetics
Classification: Pathogenic for Inborn genetic diseases. Last evaluated: 2021-01-08. Review status: criteria provided, single submitter. Criteria: Ambry Variant Classification Scheme 2023. Collection method: clinical testing. Allele origin: germline.
Comment: The c.787G>T (p.E263*) alteration, located in exon 7 (coding exon 6) of the SMG9 gene, consists of a G to T substitution at nucleotide position 787. This alteration is expected to result in loss of function by premature protein truncation or nonsense-mediated mRNA decay. Based on the available evidence, this alteration is classified as pathogenic.

NM_019108.4(SMG9):c.787G>T (p.Glu263Ter)

Gene: SMG9 (SMG9 nonsense mediated mRNA decay factor; minus strand). Cytogenetic location: 19q13.31.
Variant type: single nucleotide variant.
Coding change: c.787G>T on transcript NM_019108.4 (MANE Select); coding-DNA position 787, G replaced by T.
Protein change: p.Glu263Ter; replaces glutamic acid 263 with a stop codon.
Molecular consequence: nonsense.
Genome position (GRCh38, 1-based): chr19:43,740,133, C>A on the plus strand (G>T on the coding strand, the complement: SMG9 is on the minus strand). VCF-style: chr19-43740133-C-A. GRCh37 (hg19) VCF-style: chr19-44244285-C-A.
Other names: short protein forms E263*.
Identifiers: ClinVar variation 2228670 (VCV002228670.2), dbSNP rs1968802190, ClinGen allele CA406212417.